The following is an entry in ClinVar:

NM_022773.4(LMF1):c.649A>G (p.Ile217Val)

Gene: LMF1 (lipase maturation factor 1; minus strand). Cytogenetic location: 16p13.3.
Variant type: single nucleotide variant.
Coding change: c.649A>G on transcript NM_022773.4 (MANE Select); coding-DNA position 649, A replaced by G.
Protein change: p.Ile217Val; replaces isoleucine 217 with valine.
Molecular consequence: missense variant. On other transcripts: 5 prime UTR variant (2), non-coding transcript variant (1).
Genome position (GRCh38, 1-based): chr16:910,945, T>C on the plus strand (A>G on the coding strand, the complement: LMF1 is on the minus strand). VCF-style: chr16-910945-T-C. GRCh37 (hg19) VCF-style: chr16-960945-T-C.
Other names: c.-3A>G (NM_001352017.2, NM_001352021.2); c.250A>G, p.Ile84Val (NM_001352018.2); c.322A>G, p.Ile108Val (NM_001352019.2); c.649A>G, p.Ile217Val (NM_001352020.1); short protein forms I108V, I217V, I84V.
Identifiers: ClinVar variation 1753862 (VCV001753862.2), dbSNP rs2548363261, ClinGen allele CA394115112.

ClinVar aggregate classification (germline): Uncertain significance (1 of 4 stars; one submission).

Conditions:
Cardiovascular phenotype. Identifiers: MedGen CN230736.

Submission:

Ambry Genetics
Classification: Uncertain significance for Cardiovascular phenotype. Last evaluated: 2021-09-26. Review status: criteria provided, single submitter. Criteria: Ambry Variant Classification Scheme 2023. Collection method: clinical testing. Allele origin: germline.
Comment: The p.I217V variant (also known as c.649A>G), located in coding exon 4 of the LMF1 gene, results from an A to G substitution at nucleotide position 649. The isoleucine at codon 217 is replaced by valine, an amino acid with highly similar properties. This amino acid position is conserved. In addition, this alteration is predicted to be tolerated by in silico analysis. Since supporting evidence is limited at this time, the clinical significance of this alteration remains unclear.